The following is an entry in ClinVar:

ClinVar aggregate classification (germline): Uncertain significance (1 of 4 stars; one submission).

gnomAD v4.1: 4 of 1,614,006 alleles (0.00025%); highest among the groups gnomAD compares: Admixed American, 0.0067%; no homozygotes.

Submission:

Labcorp Genetics (formerly Invitae), Labcorp
Classification: Uncertain significance. Last evaluated: 2024-02-27. Review status: criteria provided, single submitter. Criteria: Invitae Variant Classification Sherloc (09022015). Collection method: clinical testing. Allele origin: germline.
Comment: This sequence change replaces asparagine, which is neutral and polar, with threonine, which is neutral and polar, at codon 1469 of the ABCA4 protein (p.Asn1469Thr). This variant is present in population databases (no rsID available, gnomAD 0.006%). This variant has not been reported in the literature in individuals affected with ABCA4-related conditions. ClinVar contains an entry for this variant (Variation ID: 1904459). Advanced modeling of protein sequence and biophysical properties (such as structural, functional, and spatial information, amino acid conservation, physicochemical variation, residue mobility, and thermodynamic stability) performed at Invitae indicates that this missense variant is not expected to disrupt ABCA4 protein function with a negative predictive value of 95%. In summary, the available evidence is currently insufficient to determine the role of this variant in disease. Therefore, it has been classified as a Variant of Uncertain Significance.

NM_000350.3(ABCA4):c.4406A>C (p.Asn1469Thr)

Gene: ABCA4 (ATP binding cassette subfamily A member 4; minus strand). Cytogenetic location: 1p22.1.
Variant type: single nucleotide variant.
Coding change: c.4406A>C on transcript NM_000350.3 (MANE Select); coding-DNA position 4406, A replaced by C.
Protein change: p.Asn1469Thr; replaces asparagine 1469 with threonine.
Molecular consequence: missense variant.
Genome position (GRCh38, 1-based): chr1:94,029,578, T>G on the plus strand (A>C on the coding strand, the complement: ABCA4 is on the minus strand). VCF-style: chr1-94029578-T-G. GRCh37 (hg19) VCF-style: chr1-94495134-T-G.
Other names: c.4184A>C, p.Asn1395Thr (NM_001425324.1); short protein forms N1469T, N1395T.
Identifiers: ClinVar variation 1904459 (VCV001904459.4), dbSNP rs745321062, ClinGen allele CA341285193.
Genomic context (GRCh38, chr1:94,029,578, plus strand): 5'-CTGCAGGATGGTGAAGGGTTGACCTGTGTCCATTTCTGCTTCTGGAACAGCTGGGTGATG[T>G]TTGGGGACACAGAAGGAGTCTTCCAGGGTGTTGAGTTGCCACAGGGGTACTCCCTCATGG-3'
Protein context (NP_000341.2, residues 1459-1479): TPWKTPSVSP[Asn1469Thr]ITQLFQKQKW